The following is an entry in ClinVar:

NM_006073.4(TRDN):c.232+6T>C

Gene: TRDN (triadin; minus strand). Cytogenetic location: 6q22.31.
Variant type: single nucleotide variant.
Coding change: c.232+6T>C on transcript NM_006073.4 (MANE Select); 6 bases into the intron after coding-DNA position 232, T replaced by C.
Molecular consequence: intron variant.
Genome position (GRCh38, 1-based): chr6:123,570,917, A>G on the plus strand (T>C on the coding strand, the complement: TRDN is on the minus strand). VCF-style: chr6-123570917-A-G. GRCh37 (hg19) VCF-style: chr6-123892062-A-G.
Other names: c.232+6T>C (NM_001251987.2, NM_001256020.2, NM_001256021.2 and 1 more transcripts).
Identifiers: ClinVar variation 1425918 (VCV001425918.7), dbSNP rs747825904, ClinGen allele CA645548519.

ClinVar aggregate classification (germline): Uncertain significance (1 of 4 stars; one submission).

Conditions:
Catecholaminergic polymorphic ventricular tachycardia 1. Also called: VENTRICULAR TACHYCARDIA, CATECHOLAMINERGIC POLYMORPHIC, 1, WITH OR WITHOUT ATRIAL DYSFUNCTION AND/OR DILATED CARDIOMYOPATHY; RYR2-Related Catecholaminergic Polymorphic Ventricular Tachycardia; VENTRICULAR TACHYCARDIA, STRESS-INDUCED POLYMORPHIC 1. Identifiers: Orphanet 3286, MedGen C1631597, MONDO:0011484, OMIM 604772.

Submission:

Labcorp Genetics (formerly Invitae), Labcorp
Classification: Uncertain significance for Catecholaminergic polymorphic ventricular tachycardia 1. Last evaluated: 2024-01-15. Review status: criteria provided, single submitter. Criteria: Invitae Variant Classification Sherloc (09022015). Collection method: clinical testing. Allele origin: germline.
Comment: This sequence change falls in intron 2 of the TRDN gene. It does not directly change the encoded amino acid sequence of the TRDN protein. It affects a nucleotide within the consensus splice site. This variant is not present in population databases (gnomAD no frequency). This variant has not been reported in the literature in individuals affected with TRDN-related conditions. ClinVar contains an entry for this variant (Variation ID: 1425918). Variants that disrupt the consensus splice site are a relatively common cause of aberrant splicing (PMID: 17576681, 9536098). Algorithms developed to predict the effect of sequence changes on RNA splicing suggest that this variant is not likely to affect RNA splicing. In summary, the available evidence is currently insufficient to determine the role of this variant in disease. Therefore, it has been classified as a Variant of Uncertain Significance.

Literature cited by the submitters: PubMed 17576681; PubMed 9536098.